The following is an entry in ClinVar:

NM_001146.5(ANGPT1):c.1231A>T (p.Thr411Ser)

Gene: ANGPT1 (angiopoietin 1; minus strand). Cytogenetic location: 8q23.1.
Variant type: single nucleotide variant.
Coding change: c.1231A>T on transcript NM_001146.5 (MANE Select); coding-DNA position 1231, A replaced by T.
Protein change: p.Thr411Ser; replaces threonine 411 with serine.
Molecular consequence: missense variant.
Genome position (GRCh38, 1-based): chr8:107,264,326, T>A on the plus strand (A>T on the coding strand, the complement: ANGPT1 is on the minus strand). VCF-style: chr8-107264326-T-A. GRCh37 (hg19) VCF-style: chr8-108276554-T-A.
Other names: c.1228A>T, p.Thr410Ser (NM_001199859.3); c.631A>T, p.Thr211Ser (NM_001314051.2); short protein forms T410S, T211S, T411S.
Identifiers: ClinVar variation 4762750 (VCV004762750.1).

ClinVar aggregate classification (germline): Uncertain significance (1 of 4 stars; one submission).

Submission:

Labcorp Genetics (formerly Invitae), Labcorp
Classification: Uncertain significance. Last evaluated: 2025-06-11. Review status: criteria provided, single submitter. Criteria: Invitae Variant Classification Sherloc (09022015). Collection method: clinical testing. Allele origin: germline.
Comment: This sequence change replaces threonine, which is neutral and polar, with serine, which is neutral and polar, at codon 411 of the ANGPT1 protein (p.Thr411Ser). This variant is not present in population databases (gnomAD no frequency). This variant has not been reported in the literature in individuals affected with ANGPT1-related conditions. An algorithm developed to predict the effect of missense changes on protein structure and function (PolyPhen-2) suggests that this variant is likely to be disruptive. In summary, the available evidence is currently insufficient to determine the role of this variant in disease. Therefore, it has been classified as a Variant of Uncertain Significance.